The following is an entry in ClinVar:

NM_001267550.2(TTN):c.71723G>A (p.Gly23908Asp)

Genes: TTN (titin; minus strand), TTN-AS1 (TTN antisense RNA 1; plus strand). Cytogenetic location: 2q31.2.
Variant type: single nucleotide variant.
Coding change: c.71723G>A on transcript NM_001267550.2 (MANE Select); coding-DNA position 71723, G replaced by A.
Protein change: p.Gly23908Asp; replaces glycine 23908 with aspartic acid.
Molecular consequence: missense variant.
Genome position (GRCh38, 1-based): chr2:178,574,409, C>T on the plus strand (G>A on the coding strand, the complement: TTN is on the minus strand). VCF-style: chr2-178574409-C-T. GRCh37 (hg19) VCF-style: chr2-179439136-C-T.
Other names: p.G22267D:GGC>GAC; c.66800G>A, p.Gly22267Asp (NM_001256850.1); c.64019G>A, p.Gly21340Asp (NM_133378.4); c.44528G>A, p.Gly14843Asp (NM_003319.4); c.44903G>A, p.Gly14968Asp (NM_133432.3); c.45104G>A, p.Gly15035Asp (NM_133437.4); short protein forms G21340D, G23908D, G22267D, G14843D, G15035D, G14968D.
Identifiers: ClinVar variation 179862 (VCV000179862.16), dbSNP rs540161344, ClinGen allele CA185293.
Genomic context (GRCh38, chr2:178,574,409, plus strand): 5'-GGTGGGTCAATGGGATCCAGAGCCAACATAGGTTCTGATGGCTTGCTTGGCTTACTTTTG[C>T]CTGCCATGTTTTCTGCAATCACCCGGAACTCATAAGCAATACCATCTGTAAGTCCACTTG-3'
Protein context (NP_001254479.2, residues 23898-23918): EFRVIAENMA[Gly23908Asp]KSKPSKPSEP

ClinVar aggregate classification (germline): Conflicting classifications of pathogenicity. Review status: criteria provided, conflicting classifications (1 of 4 stars). 9 submissions from 9 submitters: Uncertain significance (7); Likely benign (1). 1 of the submissions does not count toward it. Last evaluated 2026-07-06.

Conditions:
TTN-related disorder. Also called: TTN-related condition; TTN-related disease; TTN-related disorders.
Cardiovascular phenotype. Identifiers: MedGen CN230736.
Tibial muscular dystrophy (TMD). Also called: Udd Distal Myopathy – Tibial Muscular Dystrophy; UDD MYOPATHY; Tibial muscular dystrophy, tardive. Identifiers: Orphanet 609, MedGen C1838244, MONDO:0010870, OMIM 600334.
Myopathy, myofibrillar, 9, with early respiratory failure (MFM9). Also called: Hereditary myopathy with early respiratory failure; EDSTROM MYOPATHY; MYOPATHY, PROXIMAL, WITH EARLY RESPIRATORY MUSCLE INVOLVEMENT; Myopathy, distal, with early respiratory failure, autosomal dominant. Identifiers: Orphanet 178464, Orphanet 34521, MedGen C1863599, MONDO:0011362, OMIM 603689.
Dilated cardiomyopathy 1G (CMD1G). Identifiers: Orphanet 154, MedGen C1858763, MONDO:0011400, OMIM 604145.
Hypertrophic cardiomyopathy 9. Also called: Familial hypertrophic cardiomyopathy 9. Identifiers: MedGen C1861065, MONDO:0013412, OMIM 613765.
Autosomal recessive limb-girdle muscular dystrophy type 2J (LGMDR10). Also called: Limb-girdle muscular dystrophy, type 2J; MUSCULAR DYSTROPHY, LIMB-GIRDLE, AUTOSOMAL RECESSIVE 10. Identifiers: Orphanet 140922, MedGen C1837342, MONDO:0012127, OMIM 608807.
Early-onset myopathy with fatal cardiomyopathy (CMYO5). Also called: CONGENITAL MYOPATHY 5 WITH CARDIOMYOPATHY; Salih Myopathy. Identifiers: Orphanet 289377, MedGen C2673677, MONDO:0012714, OMIM 611705. Disease mechanism: loss of function.

Allele frequency attached by ClinVar (database versions not stated): gnomAD exomes 0.00002 and 0.00006; ExAC 0.00007; gnomAD 0.00020 and 0.00021; TOPMed 0.00022; 1000 Genomes Project 0.00040; 1000 Genomes Project 30x 0.00047.
gnomAD v4.1: 43 of 1,613,396 alleles (0.0027%); highest among the groups gnomAD compares: African/African-American, 0.051%; no homozygotes.

Submissions (9):

PreventionGenetics, part of Exact Sciences
Classification: Uncertain significance for TTN-related condition. Last evaluated: 2026-07-06. Review status: criteria provided, single submitter. Criteria: ACMG Guidelines, 2015. Collection method: clinical testing. Allele origin: germline.
Comment: The TTN c.71723G>A variant is predicted to result in the amino acid substitution p.Gly23908Asp. To our knowledge, this variant has not been reported in the literature. This variant is reported in 0.066% of alleles in individuals of African descent in gnomAD. Although we suspect that this variant may be benign, at this time, the clinical significance of this variant is uncertain due to the absence of conclusive functional and genetic evidence.

Athena Diagnostics
Classification: Uncertain significance. Last evaluated: 2025-02-25. Review status: criteria provided, single submitter. Criteria: Athena Diagnostics Criteria. Collection method: clinical testing. Allele origin: unknown.
Comment: Available data are insufficient to determine the clinical significance of the variant at this time. The frequency of this variant in the general population is higher than would generally be expected for pathogenic variants in this gene. Polyphen and MutationTaster predict this amino acid change may be damaging to the protein.

Mayo Clinic Laboratories, Mayo Clinic
Classification: Uncertain significance. Last evaluated: 2023-01-12. Review status: criteria provided, single submitter. Criteria: ACMG Guidelines, 2015. Collection method: clinical testing. Allele origin: germline. Observed: 1 variant allele.
Comment: PP3

Women's Health and Genetics/Laboratory Corporation of America, LabCorp
Classification: Uncertain significance. Last evaluated: 2022-08-06. Review status: criteria provided, single submitter. Criteria: LabCorp Variant Classification Summary - May 2015. Collection method: clinical testing. Allele origin: germline.

Revvity Omics, Revvity
Classification: Uncertain significance. Last evaluated: 2020-07-20. Review status: criteria provided, single submitter. Criteria: ACMG Guidelines, 2015. Collection method: clinical testing. Allele origin: germline.

Ambry Genetics
Classification: Likely benign for Cardiovascular phenotype. Last evaluated: 2020-06-25. Review status: criteria provided, single submitter. Criteria: Ambry Variant Classification Scheme 2023. Collection method: clinical testing. Allele origin: germline.

Fulgent Genetics
Classification: Uncertain significance for Tibial muscular dystrophy; Myopathy, myofibrillar, 9, with early respiratory failure; Dilated cardiomyopathy 1G; Autosomal recessive limb-girdle muscular dystrophy type 2J; Early-onset myopathy with fatal cardiomyopathy; Hypertrophic cardiomyopathy 9. Last evaluated: 2018-10-31. Review status: criteria provided, single submitter. Criteria: ACMG Guidelines, 2015. Collection method: clinical testing. Allele origin: unknown.

Laboratory for Molecular Medicine, Mass General Brigham Personalized Medicine
Classification: Uncertain significance. Last evaluated: 2015-01-14. Review status: criteria provided, single submitter. Criteria: LMM Criteria. Collection method: clinical testing. Allele origin: germline. Observed: 2 variant alleles.
Comment: Computat ional prediction tools and conservation analyses suggest this variant may impact the protein, though this information is not predictive enough to determine path ogenicity. In summary, the clinical significance of the p.Gly21340Asp variant is uncertain.

GeneDx
No classification provided. Last evaluated: 2014-07-08. Review status: no classification provided. Criteria: GeneDx Variant Classification (06012015). Collection method: clinical testing. Allele origin: germline. Affected: yes. Not counted in ClinVar's aggregate classification.
Comment: Missense variants in the TTN gene are considered 'unclassified' if they are not previously reported in the literature and do not have >1% frequency in the population to be considered a polymorphism. Research indicates that truncating mutations in the TTN gene are expected to account for approximately 25% of familial and 18% of sporadic idiopathic DCM; however, truncating variants in the TTN gene have been reported in approximately 3% of reported control alleles. There has been little investigation into non-truncating variants. (Herman D et al. Truncations of titin causing dilated cardiomyopathy. N Eng J Med 366:619-628, 2012) The variant is found in CARDIOMYOPATHY panel(s).

Literature cited by the submitters: PubMed 35026164 (cited by Athena Diagnostics).